The following is an entry in ClinVar:

ClinVar aggregate classification (germline): Likely pathogenic (1 of 4 stars; one submission).

Conditions:
ACTB-related disorder. Also called: ACTB-related condition; ACTB-related disorders.

Submission:

PreventionGenetics, part of Exact Sciences
Classification: Likely pathogenic for ACTB-related condition. Last evaluated: 2025-01-30. Review status: criteria provided, single submitter. Criteria: ACMG Guidelines, 2015. Collection method: clinical testing. Allele origin: germline.
Comment: The ACTB c.95C>G variant is predicted to result in the amino acid substitution p.Pro32Arg. To our knowledge, this variant has not been reported in the literature or in a large population database, indicating this variant is rare. This variant is interpreted as likely pathogenic.

NM_001101.5(ACTB):c.95C>G (p.Pro32Arg)

Gene: ACTB (actin beta; minus strand). Cytogenetic location: 7p22.1.
Variant type: single nucleotide variant.
Coding change: c.95C>G on transcript NM_001101.5 (MANE Select); coding-DNA position 95, C replaced by G.
Protein change: p.Pro32Arg; replaces proline 32 with arginine.
Molecular consequence: missense variant.
Genome position (GRCh38, 1-based): chr7:5,529,563, G>C on the plus strand (C>G on the coding strand, the complement: ACTB is on the minus strand). VCF-style: chr7-5529563-G-C. GRCh37 (hg19) VCF-style: chr7-5569194-G-C.
Other names: short protein forms P32R.
Identifiers: ClinVar variation 2635166 (VCV002635166.2), dbSNP rs2533851357, ClinGen allele CA366706762.